The following is an entry in ClinVar:

NM_000166.6(GJB1):c.278_290del (p.Met93fs)

Gene: GJB1 (gap junction protein beta 1; plus strand). Cytogenetic location: Xq13.1.
Variant type: Deletion.
Coding change: c.278_290del on transcript NM_000166.6 (MANE Select); coding-DNA positions 278 to 290, 13 bases deleted (TGCACGTGGCTCA).
Protein change: p.Met93fs; shifts the reading frame from methionine 93.
Molecular consequence: frameshift variant.
Genome position (GRCh38, 1-based): chrX:71,223,985-71,223,997, TGCACGTGGCTCA deleted; deleting any 13 consecutive bases within chrX:71,223,983-71,223,997 gives the same sequence; the c. name uses the placement nearest the transcript's 3' end. VCF-style (leftmost placement, unchanged base first): chrX-71223982-CCATGCACGTGGCT-C. GRCh37 (hg19) VCF-style: chrX-70443832-CCATGCACGTGGCT-C.
Other names: c.278_290del, p.Met93fs (NM_001097642.3, NM_001440770.1); short protein forms M93fs.
Identifiers: ClinVar variation 4795853 (VCV004795853.1).

ClinVar aggregate classification (germline): Likely pathogenic (1 of 4 stars; one submission).

Conditions:
Charcot-Marie-Tooth disease X-linked dominant 1. Also called: GJB1 Disorders: Charcot-Marie-Tooth Neuropathy (CMT1X) and Central Nervous System Phenotypes; HEREDITARY MOTOR AND SENSORY NEUROPATHY, X-LINKED; HMSN, X-LINKED; Charcot-Marie-Tooth Neuropathy X Type 1; X-linked Charcot-Marie-Tooth disease type 1; CHARCOT-MARIE-TOOTH NEUROPATHY, X-LINKED, 1. Identifiers: Orphanet 101075, MedGen C0393808, MONDO:0010549, OMIM 302800.

Submission:

Genetic Diseases Diagnostic Center, Koc University Hospital
Classification: Likely pathogenic for Charcot-Marie-Tooth disease X-linked dominant 1. Last evaluated: 2026-01-31. Review status: criteria provided, single submitter. Criteria: ACMG Guidelines, 2015. Collection method: clinical testing. Allele origin: maternal. Inheritance: X-linked inheritance. Affected: yes.
Comment: The NM_000166.5: c.278_290del13 variant causes a frameshift starting at the codon of 93 and results in a premature stop codon, and it is not in the last 50-55 nucleotides of the exon. Therefore, it is predicted to cause NMD and loss of function effect. Loss of funcfion is a known mechanism of disease for the GJB1-related phenotype (PMID: 25771809) (PVS1). It is not reported in the population databeses (4.1.0) (PM2). In summary, this variant meets criteria to be classified as likely pathogenic according to the ACMG/AMP criteria.

Literature cited by the submitters: PubMed 25771809.